The following is an entry in ClinVar:

ClinVar aggregate classification (germline): Uncertain significance (1 of 4 stars; one submission).

Submission:

Labcorp Genetics (formerly Invitae), Labcorp
Classification: Uncertain significance. Last evaluated: 2022-09-12. Review status: criteria provided, single submitter. Criteria: Invitae Variant Classification Sherloc (09022015). Collection method: clinical testing. Allele origin: germline.
Comment: In summary, the available evidence is currently insufficient to determine the role of this variant in disease. Therefore, it has been classified as a Variant of Uncertain Significance. Algorithms developed to predict the effect of missense changes on protein structure and function are either unavailable or do not agree on the potential impact of this missense change (SIFT: "Deleterious"; PolyPhen-2: "Possibly Damaging"; Align-GVGD: "Class C0"). This variant has not been reported in the literature in individuals affected with EPRS-related conditions. This variant is not present in population databases (gnomAD no frequency). This sequence change replaces alanine, which is neutral and non-polar, with serine, which is neutral and polar, at codon 780 of the EPRS protein (p.Ala780Ser).

NM_004446.3(EPRS1):c.2338G>T (p.Ala780Ser)

Gene: EPRS1 (glutamyl-prolyl-tRNA synthetase 1; minus strand). Cytogenetic location: 1q41.
Variant type: single nucleotide variant.
Coding change: c.2338G>T on transcript NM_004446.3 (MANE Select); coding-DNA position 2338, G replaced by T.
Protein change: p.Ala780Ser; replaces alanine 780 with serine.
Molecular consequence: missense variant.
Genome position (GRCh38, 1-based): chr1:219,997,186, C>A on the plus strand (G>T on the coding strand, the complement: EPRS1 is on the minus strand). VCF-style: chr1-219997186-C-A. GRCh37 (hg19) VCF-style: chr1-220170528-C-A.
Other names: short protein forms A780S.
Identifiers: ClinVar variation 2090292 (VCV002090292.4), dbSNP rs2527988962, ClinGen allele CA344647322.